The following is an entry in ClinVar:

ClinVar aggregate classification (germline): Uncertain significance (1 of 4 stars; one submission).

gnomAD v4.1: 10 of 1,613,768 alleles (0.00062%); highest among the groups gnomAD compares: Non-Finnish European, 0.00085%; no homozygotes.

Submission:

Ambry Genetics
Classification: Uncertain significance. Last evaluated: 2026-05-19. Review status: criteria provided, single submitter. Criteria: Ambry Variant Classification Scheme 2023. Collection method: clinical testing. Allele origin: germline.
Comment: The c.1104G>T variant (also known as p.G368G), located in coding exon 8 of the ATRIP gene, results from a G to T substitution at nucleotide position 1104. This nucleotide substitution does not change the amino acid at codon 368. This nucleotide position is not well conserved in available vertebrate species. In silico splice site analysis predicts that this alteration may result in the creation or strengthening of a novel splice acceptor site. The evidence for this gene-disease relationship is limited; therefore, the clinical significance of this variant is unclear.

NM_130384.3(ATRIP):c.1104G>T (p.Gly368=)

Genes: ATRIP (ATR interacting protein; plus strand), ATRIP-TREX1 (ATRIP-TREX1 readthrough; plus strand). Cytogenetic location: 3p21.31.
Variant type: single nucleotide variant.
Coding change: c.1104G>T on transcript NM_130384.3 (MANE Select); coding-DNA position 1104, G replaced by T.
Protein change: p.Gly368=; no amino-acid change (glycine 368 retained).
Molecular consequence: synonymous variant. On other transcripts: non-coding transcript variant (1).
Genome position (GRCh38, 1-based): chr3:48,460,158, G>T. VCF-style: chr3-48460158-G-T. GRCh37 (hg19) VCF-style: chr3-48501557-G-T.
Other names: c.723G>T, p.Gly241= (NM_001271022.2); c.825G>T, p.Gly275= (NM_001271023.2); c.1104G>T, p.Gly368= (NM_032166.4).
Identifiers: ClinVar variation 4867182 (VCV004867182.1).
Genomic context (GRCh38, chr3:48,460,158, plus strand): 5'-GTTTGTTGCCAGTACCTTGGCTGGAATGTCAGGCCTCAGGACCACAGGTTCTTATGATGG[G>T]TCATTTTCCCTCTCAGCCCTGAGAGAAGCACAGAACCTGGCATTCACTGGACTGAATCTG-3'
Protein context (NP_569055.1, residues 358-378): SGLRTTGSYD[Gly368=]SFSLSALREA